The following is an entry in ClinVar:

ClinVar aggregate classification (germline): Likely benign (1 of 4 stars; one submission).

Allele frequency attached by ClinVar (database versions not stated): ESP Exome Variant Server 0.00062; 1000 Genomes Project 0.00100; 1000 Genomes Project 30x 0.00109.
gnomAD v4.1: 345 of 1,614,176 alleles (0.021%); highest among the groups gnomAD compares: Middle Eastern, 0.2%; no homozygotes.

Submission:

CeGaT Center for Human Genetics Tuebingen
Classification: Likely benign. Last evaluated: 2022-03-01. Review status: criteria provided, single submitter. Criteria: CeGaT Center For Human Genetics Tuebingen Variant Classification Criteria Version 2. Collection method: clinical testing. Allele origin: germline. Affected: yes. Observed: 1 variant allele.
Comment: TATDN2: BP4, BP7

NM_014760.4(TATDN2):c.1209C>T (p.Asn403=)

Genes: TATDN2 (TatD DNase domain containing 2; plus strand), LOC107303342 (3p25 TatD DNase domain containing 2 Alu-mediated recombination region; plus strand). Cytogenetic location: 3p25.3.
Variant type: single nucleotide variant.
Coding change: c.1209C>T on transcript NM_014760.4 (MANE Select); coding-DNA position 1209, C replaced by T.
Protein change: p.Asn403=; no amino-acid change (asparagine 403 retained).
Molecular consequence: synonymous variant.
Genome position (GRCh38, 1-based): chr3:10,270,391, C>T. VCF-style: chr3-10270391-C-T. GRCh37 (hg19) VCF-style: chr3-10312075-C-T.
Identifiers: ClinVar variation 2653517 (VCV002653517.24), dbSNP rs143575255, ClinGen allele CA2251988.